The following is an entry in ClinVar:

NM_032776.3(JMJD1C):c.5050C>G (p.Leu1684Val)

Gene: JMJD1C (jumonji domain containing 1C; minus strand). Cytogenetic location: 10q21.3.
Variant type: single nucleotide variant.
Coding change: c.5050C>G on transcript NM_032776.3 (MANE Select); coding-DNA position 5050, C replaced by G.
Protein change: p.Leu1684Val; replaces leucine 1684 with valine.
Molecular consequence: missense variant. On other transcripts: non-coding transcript variant (1).
Genome position (GRCh38, 1-based): chr10:63,206,619, G>C on the plus strand (C>G on the coding strand, the complement: JMJD1C is on the minus strand). VCF-style: chr10-63206619-G-C. GRCh37 (hg19) VCF-style: chr10-64966379-G-C.
Other names: c.4504C>G, p.Leu1502Val (NM_001282948.2, NM_001318154.2); c.4186C>G, p.Leu1396Val (NM_001318153.2); c.4936C>G, p.Leu1646Val (NM_001322252.2); c.4393C>G, p.Leu1465Val (NM_001322254.2, NM_001322258.2); short protein forms L1396V, L1646V, L1465V, L1502V, L1684V.
Identifiers: ClinVar variation 858556 (VCV000858556.11), dbSNP rs201707452, ClinGen allele CA5518168.
Genomic context (GRCh38, chr10:63,206,619, plus strand): 5'-CATTTTACCTGAGATAAAACAAAGTAACTGACTTACTATTACTGTTGCTTTGCAACTTCA[G>C]TTTACTTCTTTCTTTGGCACTCCTGCTGAGAACTCCATTGGGTTTCAAATCTTCTTCTAT-3'
Protein context (NP_116165.1, residues 1674-1694): LSRSAKERSK[Leu1684Val]KLQSNSNTGI

ClinVar aggregate classification (germline): Uncertain significance (1 of 4 stars; one submission).

Conditions:
Early Myoclonic Encephalopathy. Identifiers: MedGen C0270855.

Allele frequency attached by ClinVar (database versions not stated): 1000 Genomes Project 30x 0.00016; TOPMed below 0.00001; gnomAD exomes 0.00002 and 0.00001; ExAC 0.00003; 1000 Genomes Project 0.00020; gnomAD 0.00001.
gnomAD v4.1: 23 of 1,594,846 alleles (0.0014%); highest among the groups gnomAD compares: Non-Finnish European, 0.0019%; no homozygotes.

Submissions (2):

Labcorp Genetics (formerly Invitae), Labcorp
Classification: Uncertain significance for Early Myoclonic Encephalopathy. Last evaluated: 2025-10-15. Review status: criteria provided, single submitter. Criteria: Invitae Variant Classification Sherloc (09022015). Collection method: clinical testing. Allele origin: germline.
Comment: This sequence change replaces leucine, which is neutral and non-polar, with valine, which is neutral and non-polar, at codon 1684 of the JMJD1C protein (p.Leu1684Val). This variant is present in population databases (rs201707452, gnomAD 0.002%). This variant has not been reported in the literature in individuals affected with JMJD1C-related conditions. ClinVar contains an entry for this variant (Variation ID: 858556). Invitae Evidence Modeling of protein sequence and biophysical properties (such as structural, functional, and spatial information, amino acid conservation, physicochemical variation, residue mobility, and thermodynamic stability) indicates that this missense variant is expected to disrupt JMJD1C protein function with a positive predictive value of 80%. In summary, the available evidence is currently insufficient to determine the role of this variant in disease. Therefore, it has been classified as a Variant of Uncertain Significance.

Dr. Peter K. Rogan Lab, Western University
No classification provided (evidence only). Condition: Familial cancer of breast. Review status: no classification provided. Collection method: in vitro. Allele origin: not applicable. Functional consequence: retained intron. Not counted in ClinVar's aggregate classification.